The following is an entry in ClinVar:

NM_002863.5(PYGL):c.-29A>C

Gene: PYGL (glycogen phosphorylase L; minus strand). Cytogenetic location: 14q22.1.
Variant type: single nucleotide variant.
Coding change: c.-29A>C on transcript NM_002863.5 (MANE Select); 29 bases upstream of the start codon, A replaced by C.
Molecular consequence: 5 prime UTR variant.
Genome position (GRCh38, 1-based): chr14:50,944,432, T>G on the plus strand (A>C on the coding strand, the complement: PYGL is on the minus strand). VCF-style: chr14-50944432-T-G. GRCh37 (hg19) VCF-style: chr14-51411150-T-G.
Other names: c.-29A>C (NM_001163940.2).
Identifiers: ClinVar variation 313333 (VCV000313333.6), dbSNP rs538311514, ClinGen allele CA7183942.

ClinVar aggregate classification (germline): Benign/Likely benign. Review status: criteria provided, multiple submitters, no conflicts (2 of 4 stars). 2 submissions from 2 submitters: Benign (1); Likely benign (1). Last evaluated 2025-10-13.

Conditions:
Glycogen storage disease, type VI (GSD6). Also called: Glycogen storage disease type 6; Hepatic glycogen phosphorylase deficiency; Glycogen storage disease type 6, due to phosphorylation; GSD VI; HERS DISEASE; PHOSPHORYLASE DEFICIENCY GLYCOGEN-STORAGE DISEASE OF LIVER. Identifiers: Orphanet 369, MedGen C0017925, MONDO:0009294, OMIM 232700.

Allele frequency attached by ClinVar (database versions not stated): gnomAD 0.00001 and 0.00033; TOPMed 0.00008; gnomAD exomes 0.00084 and 0.00210; 1000 Genomes Project 30x 0.00172; 1000 Genomes Project 0.00200; ExAC 0.00384.
gnomAD v4.1: 1,267 of 1,584,014 alleles (0.08%); highest among the groups gnomAD compares: South Asian, 1.3%; 19 homozygotes.

Submissions (2):

Mayo Clinic Laboratories, Mayo Clinic
Classification: Likely benign. Last evaluated: 2025-10-13. Review status: criteria provided, single submitter. Criteria: ACMG Guidelines, 2015. Collection method: clinical testing. Allele origin: germline. Observed: 1 variant allele.
Comment: BA1, BP4, BP7

Illumina Laboratory Services, Illumina
Classification: Benign for Glycogen storage disease, type VI. Last evaluated: 2018-01-13. Review status: criteria provided, single submitter. Criteria: ICSL Variant Classification Criteria 13 December 2019. Collection method: clinical testing. Allele origin: germline.
Comment: This variant was observed in the ICSL laboratory as part of a predisposition screen in an ostensibly healthy population. It had not been previously curated by ICSL or reported in the Human Gene Mutation Database (HGMD: prior to June 1st, 2018), and was therefore a candidate for classification through an automated scoring system. Utilizing variant allele frequency, disease prevalence and penetrance estimates, and inheritance mode, an automated score was calculated to assess if this variant is too frequent to cause the disease. Based on the score and internal cut-off values, a variant classified as benign is not then subjected to further curation. The score for this variant resulted in a classification of benign for this disease.